The following is an entry in ClinVar:

ClinVar aggregate classification (germline): Uncertain significance (1 of 4 stars; one submission).

Conditions:
Inborn genetic diseases. Identifiers: MedGen C0950123, MeSH D030342.

Submission:

Ambry Genetics
Classification: Uncertain significance for Inborn genetic diseases. Last evaluated: 2023-05-04. Review status: criteria provided, single submitter. Criteria: Ambry Variant Classification Scheme 2023. Collection method: clinical testing. Allele origin: germline.
Comment: The p.H1405L variant (also known as c.4214A>T), located in coding exon 30 of the LRRK2 gene, results from an A to T substitution at nucleotide position 4214. The histidine at codon 1405 is replaced by leucine, an amino acid with similar properties. This amino acid position is conserved. In addition, this alteration is predicted to be deleterious by in silico analysis. Since supporting evidence is limited at this time, the clinical significance of this alteration remains unclear.

NM_198578.4(LRRK2):c.4214A>T (p.His1405Leu)

Gene: LRRK2 (leucine rich repeat kinase 2; plus strand). Cytogenetic location: 12q12.
Variant type: single nucleotide variant.
Coding change: c.4214A>T on transcript NM_198578.4 (MANE Select); coding-DNA position 4214, A replaced by T.
Protein change: p.His1405Leu; replaces histidine 1405 with leucine.
Molecular consequence: missense variant.
Genome position (GRCh38, 1-based): chr12:40,309,130, A>T. VCF-style: chr12-40309130-A-T. GRCh37 (hg19) VCF-style: chr12-40702932-A-T.
Other names: short protein forms H1405L.
Identifiers: ClinVar variation 2567386 (VCV002567386.2), dbSNP rs2499817713, ClinGen allele CA384418012.